The following is an entry in ClinVar:

NM_018089.3(ANKZF1):c.985C>T (p.Arg329Cys)

Gene: ANKZF1 (ankyrin repeat and zinc finger peptidyl tRNA hydrolase 1; plus strand). Cytogenetic location: 2q35.
Variant type: single nucleotide variant.
Coding change: c.985C>T on transcript NM_018089.3 (MANE Select); coding-DNA position 985, C replaced by T.
Protein change: p.Arg329Cys; replaces arginine 329 with cysteine.
Molecular consequence: missense variant.
Genome position (GRCh38, 1-based): chr2:219,233,880, C>T. VCF-style: chr2-219233880-C-T. GRCh37 (hg19) VCF-style: chr2-220098602-C-T.
Other names: c.985C>T (NM_018089.2); c.985C>T, p.Arg329Cys (NM_001042410.2); c.355C>T, p.Arg119Cys (NM_001282792.2); short protein forms R119C, R329C.
Identifiers: ClinVar variation 1368877 (VCV001368877.8), dbSNP rs374251464, ClinGen allele CA2120918.

ClinVar aggregate classification (germline): Uncertain significance. Review status: criteria provided, multiple submitters, no conflicts (2 of 4 stars). 2 submissions from 2 submitters: Uncertain significance (2). Last evaluated 2025-11-11.

Allele frequency attached by ClinVar (database versions not stated): ESP Exome Variant Server 0.00016; gnomAD 0.00003 and 0.00004; gnomAD exomes 0.00006 and 0.00014; TOPMed 0.00006; ExAC 0.00007.
gnomAD v4.1: 86 of 1,610,558 alleles (0.0053%); highest among the groups gnomAD compares: Admixed American, 0.062%; no homozygotes.

Submissions (2):

Labcorp Genetics (formerly Invitae), Labcorp
Classification: Uncertain significance. Last evaluated: 2025-11-11. Review status: criteria provided, single submitter. Criteria: Invitae Variant Classification Sherloc (09022015). Collection method: clinical testing. Allele origin: germline.
Comment: This sequence change replaces arginine, which is basic and polar, with cysteine, which is neutral and slightly polar, at codon 329 of the ANKZF1 protein (p.Arg329Cys). This variant is present in population databases (rs374251464, gnomAD 0.07%), and has an allele count higher than expected for a pathogenic variant. This variant has not been reported in the literature in individuals affected with ANKZF1-related conditions. ClinVar contains an entry for this variant (Variation ID: 1368877). An algorithm developed to predict the effect of missense changes on protein structure and function (PolyPhen-2) suggests that this variant is likely to be disruptive. In summary, the available evidence is currently insufficient to determine the role of this variant in disease. Therefore, it has been classified as a Variant of Uncertain Significance.

Ambry Genetics
Classification: Uncertain significance. Last evaluated: 2025-04-15. Review status: criteria provided, single submitter. Criteria: Ambry Variant Classification Scheme 2023. Collection method: clinical testing. Allele origin: germline.